The following is an entry in ClinVar:

NM_032578.4(MYPN):c.2570C>T (p.Ser857Phe)

Gene: MYPN (myopalladin; plus strand). Cytogenetic location: 10q21.3.
Variant type: single nucleotide variant.
Coding change: c.2570C>T on transcript NM_032578.4 (MANE Select); coding-DNA position 2570, C replaced by T.
Protein change: p.Ser857Phe; replaces serine 857 with phenylalanine.
Molecular consequence: missense variant. On other transcripts: non-coding transcript variant (1).
Genome position (GRCh38, 1-based): chr10:68,175,328, C>T. VCF-style: chr10-68175328-C-T. GRCh37 (hg19) VCF-style: chr10-69935085-C-T.
Other names: c.2570C>T, p.Ser857Phe (NM_001256267.2); c.1688C>T, p.Ser563Phe (NM_001256268.2); c.2570C>T (NM_032578.3); short protein forms S857F, S563F.
Identifiers: ClinVar variation 1041205 (VCV001041205.12), dbSNP rs376431940, ClinGen allele CA5522823.
Genomic context (GRCh38, chr10:68,175,328, plus strand): 5'-TTTTACCCTGGCCAGTGCTTTTCATGGGTGTGTCAGGTGTGGATTTATCTTACAGGCCAT[C>T]CCAGGGATTAGCGAAGAAAAATACAAAGTCTCCTCAACCAGTGAATGATGATAACATTCG-3'
Protein context (NP_115967.2, residues 847-867): GLPRSAPSMP[Ser857Phe]QGLAKKNTKS

ClinVar aggregate classification (germline): Uncertain significance. Review status: criteria provided, multiple submitters, no conflicts (2 of 4 stars). 4 submissions from 4 submitters: Uncertain significance (4). Last evaluated 2024-07-02.

Conditions:
Cardiovascular phenotype. Identifiers: MedGen CN230736.
Dilated cardiomyopathy 1KK (CMD1KK). Identifiers: Orphanet 154, Orphanet 75249, MedGen C3714995, MONDO:0014100, OMIM 615248.

Allele frequency attached by ClinVar (database versions not stated): gnomAD exomes below 0.00001; ExAC 0.00001; gnomAD 0.00001; TOPMed 0.00002; ESP Exome Variant Server 0.00008.
gnomAD v4.1: 3 of 1,613,786 alleles (0.00019%); highest among the groups gnomAD compares: African/African-American, 0.0027%; no homozygotes.

Submissions (4):

GeneDx
Classification: Uncertain significance. Last evaluated: 2024-07-02. Review status: criteria provided, single submitter. Criteria: GeneDx Variant Classification Process June 2021. Collection method: clinical testing. Allele origin: germline. Affected: yes.
Comment: Not observed at significant frequency in large population cohorts (gnomAD); In silico analysis indicates that this missense variant does not alter protein structure/function; Has not been previously published as pathogenic or benign to our knowledge

Ambry Genetics
Classification: Uncertain significance for Cardiovascular phenotype. Last evaluated: 2024-06-14. Review status: criteria provided, single submitter. Criteria: Ambry Variant Classification Scheme 2023. Collection method: clinical testing. Allele origin: germline.
Comment: The p.S857F variant (also known as c.2570C>T), located in coding exon 11 of the MYPN gene, results from a C to T substitution at nucleotide position 2570. The serine at codon 857 is replaced by phenylalanine, an amino acid with highly dissimilar properties. This amino acid position is not well conserved in available vertebrate species. In addition, this alteration is predicted to be tolerated by in silico analysis. Since supporting evidence is limited at this time, the clinical significance of this alteration remains unclear.

Blueprint Genetics
Classification: Uncertain significance. Last evaluated: 2023-06-20. Review status: criteria provided, single submitter. Criteria: ACMG Guidelines, 2015. Collection method: clinical testing. Allele origin: germline.

Labcorp Genetics (formerly Invitae), Labcorp
Classification: Uncertain significance for Dilated cardiomyopathy 1KK. Last evaluated: 2020-09-02. Review status: criteria provided, single submitter. Criteria: Invitae Variant Classification Sherloc (09022015). Collection method: clinical testing. Allele origin: germline.
Comment: In summary, the available evidence is currently insufficient to determine the role of this variant in disease. Therefore, it has been classified as a Variant of Uncertain Significance. Algorithms developed to predict the effect of missense changes on protein structure and function (SIFT, PolyPhen-2, Align-GVGD) all suggest that this variant is likely to be tolerated, but these predictions have not been confirmed by published functional studies and their clinical significance is uncertain. This variant has not been reported in the literature in individuals with MYPN-related conditions. This variant is present in population databases (rs376431940, ExAC 0.01%). This sequence change replaces serine with phenylalanine at codon 857 of the MYPN protein (p.Ser857Phe). The serine residue is weakly conserved and there is a large physicochemical difference between serine and phenylalanine.